The following is an entry in ClinVar:

NM_020631.6(PLEKHG5):c.2424G>A (p.Val808=)

Gene: PLEKHG5 (pleckstrin homology and RhoGEF domain containing G5; minus strand). Cytogenetic location: 1p36.31.
Variant type: single nucleotide variant.
Coding change: c.2424G>A on transcript NM_020631.6 (MANE Select); coding-DNA position 2424, G replaced by A.
Protein change: p.Val808=; no amino-acid change (valine 808 retained).
Molecular consequence: synonymous variant.
Genome position (GRCh38, 1-based): chr1:6,468,412, C>T on the plus strand (G>A on the coding strand, the complement: PLEKHG5 is on the minus strand). VCF-style: chr1-6468412-C-T. GRCh37 (hg19) VCF-style: chr1-6528472-C-T.
Other names: c.2535G>A, p.Val845= (NM_001042663.3, NM_001265592.2); c.2424G>A, p.Val808= (NM_001042664.2, NM_001042665.2, NM_001265594.3 and 1 more transcripts); c.2631G>A, p.Val877= (NM_001265593.2).
Identifiers: ClinVar variation 385221 (VCV000385221.12), dbSNP rs151184761, ClinGen allele CA561162.

ClinVar aggregate classification (germline): Likely benign. Review status: criteria provided, multiple submitters, no conflicts (2 of 4 stars). 4 submissions from 4 submitters: Likely benign (4). Last evaluated 2025-12-23.

Conditions:
PLEKHG5-related disorder. Also called: PLEKHG5-related condition.
Inborn genetic diseases. Identifiers: MedGen C0950123, MeSH D030342.
Charcot-Marie-Tooth disease recessive intermediate C. Also called: CHARCOT-MARIE-TOOTH NEUROPATHY, RECESSIVE INTERMEDIATE C. Identifiers: Orphanet 369867, MedGen C3809309, MONDO:0014154, OMIM 615376.
Neuronopathy, distal hereditary motor, autosomal recessive 4. Also called: Autosomal recessive lower motor neuron disease with childhood onset; NEUROPATHY, DISTAL HEREDITARY MOTOR, AUTOSOMAL RECESSIVE 4. Identifiers: Orphanet 206580, MedGen C1970211, MONDO:0012608, OMIM 611067.

Allele frequency attached by ClinVar (database versions not stated): gnomAD exomes 0.00005; ExAC 0.00007; ESP Exome Variant Server 0.00023; gnomAD 0.00029 and 0.00030; TOPMed 0.00032.
gnomAD v4.1: 69 of 1,611,956 alleles (0.0043%); highest among the groups gnomAD compares: African/African-American, 0.081%; no homozygotes.

Submissions (4):

Labcorp Genetics (formerly Invitae), Labcorp
Classification: Likely benign for Neuronopathy, distal hereditary motor, autosomal recessive 4; Charcot-Marie-Tooth disease recessive intermediate C. Last evaluated: 2025-12-23. Review status: criteria provided, single submitter. Criteria: Invitae Variant Classification Sherloc (09022015). Collection method: clinical testing. Allele origin: germline.

PreventionGenetics, part of Exact Sciences
Classification: Likely benign for PLEKHG5-related condition. Last evaluated: 2025-10-15. Review status: criteria provided, single submitter. Criteria: ACMG Guidelines, 2015. Collection method: clinical testing. Allele origin: germline.
Comment: This variant is classified as likely benign based on ACMG/AMP sequence variant interpretation guidelines (Richards et al. 2015 PMID: 25741868, with internal and published modifications).

Ambry Genetics
Classification: Likely benign for Inborn genetic diseases. Last evaluated: 2019-07-11. Review status: criteria provided, single submitter. Criteria: Ambry Variant Classification Scheme 2023. Collection method: clinical testing. Allele origin: germline.

GeneDx
Classification: Likely benign. Last evaluated: 2016-04-21. Review status: criteria provided, single submitter. Criteria: GeneDx Variant Classification (06012015). Collection method: clinical testing. Allele origin: germline. Affected: yes.
Comment: This variant is considered likely benign or benign based on one or more of the following criteria: it is a conservative change, it occurs at a poorly conserved position in the protein, it is predicted to be benign by multiple in silico algorithms, and/or has population frequency not consistent with disease.